The following is an entry in ClinVar:

NM_015205.3(ATP11A):c.3058-9del

Genes: ATP11A (ATPase phospholipid transporting 11A; plus strand), LOC126861868 (CDK7 strongly-dependent group 2 enhancer GRCh37_chr13:113526644-113527843; plus strand). Cytogenetic location: 13q34.
Variant type: Deletion.
Coding change: c.3058-9del on transcript NM_015205.3 (MANE Select); 9 bases into the intron before coding-DNA position 3058, one base deleted (T; older notation c.3058-9delT).
Molecular consequence: intron variant.
Genome position (GRCh38, 1-based): chr13:112,873,564, T deleted; the last of 10 consecutive T bases (chr13:112,873,555-112,873,564); deleting any one gives the same sequence. VCF-style (leftmost placement, unchanged base first): chr13-112873554-CT-C. GRCh37 (hg19) VCF-style: chr13-113527868-CT-C.
Other names: c.3058-9del (NM_001405663.1, NM_001405661.1, NM_032189.4 and 1 more transcripts).
Identifiers: ClinVar variation 4980300 (VCV004980300.1).

ClinVar aggregate classification (germline): Likely benign (1 of 4 stars; one submission).

Conditions:
ATP11A-related disorder. Also called: ATP11A-related condition.

Submission:

PreventionGenetics, part of Exact Sciences
Classification: Likely benign for ATP11A-related condition. Last evaluated: 2026-06-25. Review status: criteria provided, single submitter. Criteria: ACMG Guidelines, 2015. Collection method: clinical testing. Allele origin: germline.
Comment: This variant is classified as likely benign based on ACMG/AMP sequence variant interpretation guidelines (Richards et al. 2015 PMID: 25741868, with internal and published modifications).